The following is an entry in ClinVar:

NM_000059.4(BRCA2):c.4007T>C (p.Phe1336Ser)

Gene: BRCA2 (BRCA2 DNA repair associated; plus strand). Cytogenetic location: 13q13.1.
Variant type: single nucleotide variant.
Coding change: c.4007T>C on transcript NM_000059.4 (MANE Select); coding-DNA position 4007, T replaced by C.
Protein change: p.Phe1336Ser; replaces phenylalanine 1336 with serine.
Molecular consequence: missense variant.
Genome position (GRCh38, 1-based): chr13:32,338,362, T>C. VCF-style: chr13-32338362-T-C. GRCh37 (hg19) VCF-style: chr13-32912499-T-C.
Other names: short protein forms F1336S.
Identifiers: ClinVar variation 462318 (VCV000462318.18), dbSNP rs757305371, ClinGen allele CA6940740.

ClinVar aggregate classification (germline): Conflicting classifications of pathogenicity. Review status: criteria provided, conflicting classifications (1 of 4 stars). 6 submissions from 6 submitters: Uncertain significance (4); Likely benign (2). Last evaluated 2025-10-29.

Conditions:
Hereditary cancer-predisposing syndrome. Also called: Hereditary neoplastic syndrome; Neoplastic Syndromes, Hereditary; Tumor predisposition; Hereditary Cancer Syndrome. Identifiers: Orphanet 140162, MedGen C0027672, MeSH D009386, MONDO:0015356.
Hereditary breast ovarian cancer syndrome. Also called: Hereditary breast and/or ovarian cancer syndrome; BRCA1- and BRCA2-Associated Hereditary Breast and Ovarian Cancer; Hereditary breast and ovarian cancer; Breast and ovarian cancer; Hereditary breast and ovarian cancer syndrome; Hereditary breast and ovarian cancer syndrome (HBOC). Identifiers: Orphanet 145, MedGen C0677776, MeSH D061325, MONDO:0003582. Disease mechanism: loss of function.
Breast-ovarian cancer, familial, susceptibility to, 2 (BROVCA2). Also called: BRCA2 Hereditary Breast and Ovarian Cancer. Identifiers: Orphanet 145, MedGen C2675520, MONDO:0012933, OMIM 612555. Disease mechanism: loss of function.

Allele frequency attached by ClinVar (database versions not stated): gnomAD exomes below 0.00001; ExAC 0.00002; gnomAD 0.00002; TOPMed 0.00002.
gnomAD v4.1: 4 of 1,587,086 alleles (0.00025%); highest among the groups gnomAD compares: African/African-American, 0.0054%; no homozygotes.

Submissions (6):

Labcorp Genetics (formerly Invitae), Labcorp
Classification: Uncertain significance for Hereditary breast ovarian cancer syndrome. Last evaluated: 2025-10-29. Review status: criteria provided, single submitter. Criteria: Invitae Variant Classification Sherloc (09022015). Collection method: clinical testing. Allele origin: germline.
Comment: This sequence change replaces phenylalanine, which is neutral and non-polar, with serine, which is neutral and polar, at codon 1336 of the BRCA2 protein (p.Phe1336Ser). This variant is present in population databases (rs757305371, gnomAD 0.007%). This variant has not been reported in the literature in individuals affected with BRCA2-related conditions. ClinVar contains an entry for this variant (Variation ID: 462318). Invitae Evidence Modeling of protein sequence and biophysical properties (such as structural, functional, and spatial information, amino acid conservation, physicochemical variation, residue mobility, and thermodynamic stability) indicates that this missense variant is not expected to disrupt BRCA2 protein function with a negative predictive value of 95%. In summary, the available evidence is currently insufficient to determine the role of this variant in disease. Therefore, it has been classified as a Variant of Uncertain Significance.

All of Us Research Program, National Institutes of Health
Classification: Uncertain significance for Breast-ovarian cancer, familial, susceptibility to, 2. Last evaluated: 2023-12-18. Review status: criteria provided, single submitter. Criteria: ACMG Guidelines, 2015. Collection method: clinical testing. Allele origin: germline. Inheritance: Autosomal dominant inheritance. Observed: 1 variant allele, 1 heterozygote.
Comment: This missense variant replaces phenylalanine with serine at codon 1336 of the BRCA2 protein. Computational prediction suggests that this variant may not impact protein structure and function (internally defined REVEL score threshold <= 0.5, PMID: 27666373). To our knowledge, functional studies have not been reported for this variant. This variant has not been reported in individuals affected with BRCA2-related disorders in the literature. This variant has been identified in 1/230396 chromosomes in the general population by the Genome Aggregation Database (gnomAD). The available evidence is insufficient to determine the role of this variant in disease conclusively. Therefore, this variant is classified as a Variant of Uncertain Significance.

This study involves interpretation of variants in research participants for the purpose of population health screening. Participant phenotype was not available at the time of variant classification. Additional details can be found in publication PMID: 35346344, PMCID: PMC8962531

University of Washington Department of Laboratory Medicine, University of Washington
Classification: Likely benign for Hereditary cancer-predisposing syndrome. Last evaluated: 2023-03-23. Review status: criteria provided, single submitter. Criteria: Dines et al. (Genet Med. 2020). Collection method: curation. Allele origin: germline.
Comment: Missense variant in a coldspot region where missense variants are very unlikely to be pathogenic (PMID:31911673).

BRCA2 exon 11 coldspot. Reclassification based on statistical prior probability.

GeneDx
Classification: Uncertain significance. Last evaluated: 2020-09-08. Review status: criteria provided, single submitter. Criteria: GeneDx Variant Classification Process June 2021. Collection method: clinical testing. Allele origin: germline. Affected: yes.
Comment: Has not been previously published as pathogenic or benign to our knowledge; Not observed at a significant frequency in large population cohorts (Lek et al., 2016); In silico analysis supports that this missense variant does not alter protein structure/function; Also known as 4235T>C

Quest Diagnostics Nichols Institute San Juan Capistrano
Classification: Uncertain significance. Last evaluated: 2020-06-30. Review status: criteria provided, single submitter. Criteria: Quest Diagnostics criteria. Collection method: clinical testing. Allele origin: unknown.

Ambry Genetics
Classification: Likely benign for Hereditary cancer-predisposing syndrome. Last evaluated: 2017-11-02. Review status: criteria provided, single submitter. Criteria: Ambry Variant Classification Scheme 2023. Collection method: clinical testing. Allele origin: germline.